The following is an entry in ClinVar:

NM_024496.4(IRF2BPL):c.492CGC[4] (p.Ala164_Val165insAlaAlaAlaAla)

Gene: IRF2BPL (interferon regulatory factor 2 binding protein like; minus strand). Cytogenetic location: 14q24.3.
Variant type: Microsatellite.
Coding change: c.492CGC[4] on transcript NM_024496.4 (MANE Select); four copies in a row of the 3-base unit CGC starting at c.492.
Protein change: p.Ala164_Val165insAlaAlaAlaAla.
Molecular consequence: inframe insertion.
Genome position: GRCh38 VCF-style: chr14-77027301-C-CGCGGCGGCGGCG. GRCh37 (hg19) VCF-style: chr14-77493644-C-CGCGGCGGCGGCG.
Identifiers: ClinVar variation 2412976 (VCV002412976.6), dbSNP rs780441372, ClinGen allele CA919456159.
Genomic context (GRCh38, chr14:77,027,301, plus strand): 5'-GCTGCTGCTTCCCAGGCTCACCGGCGGTGGCGGGTACTCGAAGCGGCTGCGCTGTTCCAC[C>CGCGGCGGCGGCG]GCAGCGGCGGCGGCGGCGGCGGCGGCGGCGGCAGCGCTTAGGCCGTAGCGCTCCAGGCCA-3'

ClinVar aggregate classification (germline): Uncertain significance. Review status: criteria provided, multiple submitters, no conflicts (2 of 4 stars). 3 submissions from 3 submitters: Uncertain significance (2). 1 of the submissions does not count toward it. Last evaluated 2024-03-27.

Conditions:
IRF2BPL-related disorder. Also called: IRF2BPL-related condition. Identifiers: MedGen CN381093.

Submissions (3):

Blueprint Genetics
Classification: Uncertain significance. Last evaluated: 2024-03-27. Review status: criteria provided, single submitter. Criteria: ACMG Guidelines, 2015. Collection method: clinical testing. Allele origin: germline.

GeneDx
Classification: Uncertain significance. Last evaluated: 2022-07-28. Review status: criteria provided, single submitter. Criteria: GeneDx Variant Classification Process June 2021. Collection method: clinical testing. Allele origin: germline. Affected: yes.
Comment: Not observed at significant frequency in large population cohorts (gnomAD); In-frame insertion of 4 amino acids in a repetitive region with no known function; Has not been previously published as pathogenic or benign to our knowledge

PreventionGenetics, part of Exact Sciences
Classification: Likely benign for IRF2BPL-related condition. Last evaluated: 2022-09-06. Review status: no assertion criteria provided. Collection method: clinical testing. Allele origin: germline. Not counted in ClinVar's aggregate classification.
Comment: This variant is classified as likely benign based on ACMG/AMP sequence variant interpretation guidelines (Richards et al. 2015 PMID: 25741868, with internal and published modifications).